The following is an entry in ClinVar:

NM_002691.4(POLD1):c.2975A>G (p.Lys992Arg)

Gene: POLD1 (DNA polymerase delta 1, catalytic subunit; plus strand). Cytogenetic location: 19q13.33.
Variant type: single nucleotide variant.
Coding change: c.2975A>G on transcript NM_002691.4 (MANE Select); coding-DNA position 2975, A replaced by G.
Protein change: p.Lys992Arg; replaces lysine 992 with arginine.
Molecular consequence: missense variant. On other transcripts: non-coding transcript variant (1).
Genome position (GRCh38, 1-based): chr19:50,416,631, A>G. VCF-style: chr19-50416631-A-G. GRCh37 (hg19) VCF-style: chr19-50919888-A-G.
Other names: c.2975A>G, p.Lys992Arg (NM_001256849.1); c.3053A>G, p.Lys1018Arg (NM_001308632.1); short protein forms K1018R, K992R.
Identifiers: ClinVar variation 965005 (VCV000965005.10), dbSNP rs1427047895, ClinGen allele CA406986846.

ClinVar aggregate classification (germline): Uncertain significance (1 of 4 stars; one submission).

Conditions:
POLD1-related polyposis and colorectal cancer syndrome (CRCS10). Also called: Colorectal cancer 10; COLORECTAL CANCER, SUSCEPTIBILITY TO, ON CHROMOSOME 19q; Colorectal cancer, susceptibility to, 10. Identifiers: Orphanet 220460, MedGen C2675481, MONDO:0012953, OMIM 612591.

Allele frequency attached by ClinVar (database versions not stated): gnomAD exomes below 0.00001 and 0.00001.
gnomAD v4.1: 2 of 1,566,066 alleles (0.00013%); highest among the groups gnomAD compares: South Asian, 0.0023%; no homozygotes.

Submission:

Labcorp Genetics (formerly Invitae), Labcorp
Classification: Uncertain significance for POLD1-related polyposis and colorectal cancer syndrome. Last evaluated: 2025-06-08. Review status: criteria provided, single submitter. Criteria: Invitae Variant Classification Sherloc (09022015). Collection method: clinical testing. Allele origin: germline.
Comment: This sequence change replaces lysine, which is basic and polar, with arginine, which is basic and polar, at codon 992 of the POLD1 protein (p.Lys992Arg). The frequency data for this variant in the population databases is considered unreliable, as metrics indicate poor data quality at this position in the gnomAD database. This variant has not been reported in the literature in individuals affected with POLD1-related conditions. ClinVar contains an entry for this variant (Variation ID: 965005). Invitae Evidence Modeling of protein sequence and biophysical properties (such as structural, functional, and spatial information, amino acid conservation, physicochemical variation, residue mobility, and thermodynamic stability) indicates that this missense variant is not expected to disrupt POLD1 protein function with a negative predictive value of 80%. In summary, the available evidence is currently insufficient to determine the role of this variant in disease. Therefore, it has been classified as a Variant of Uncertain Significance.